The following is an entry in ClinVar:

ClinVar aggregate classification (germline): Uncertain significance (1 of 4 stars; one submission).

Conditions:
Cardiomyopathy (CMYO). Also called: Cardiomyopathies. Identifiers: Orphanet 167848, MedGen C0878544, MONDO:0004994, HP:0001638. Inheritance: Various modes of inheritance.

Submission:

Color Diagnostics, LLC DBA Color Health
Classification: Uncertain significance for Cardiomyopathy. Last evaluated: 2025-05-25. Review status: criteria provided, single submitter. Criteria: ACMG Guidelines, 2015. Collection method: clinical testing. Allele origin: germline.
Comment: This missense variant replaces leucine with proline at codon 159 of the PRKAG2 protein. Computational prediction suggests that this variant may not impact protein structure and function. To our knowledge, functional studies have not been reported for this variant. This variant has not been reported in individuals affected with PRKAG2-related disorders in the literature. This variant has not been identified in the general population by the Genome Aggregation Database (gnomAD). The available evidence is insufficient to determine the role of this variant in disease conclusively. Therefore, this variant is classified as a Variant of Uncertain Significance.

NM_016203.4(PRKAG2):c.476T>C (p.Leu159Pro)

Gene: PRKAG2 (protein kinase AMP-activated non-catalytic subunit gamma 2; minus strand). Cytogenetic location: 7q36.1.
Variant type: single nucleotide variant.
Coding change: c.476T>C on transcript NM_016203.4 (MANE Select); coding-DNA position 476, T replaced by C.
Protein change: p.Leu159Pro; replaces leucine 159 with proline.
Molecular consequence: missense variant. On other transcripts: intron variant (5).
Genome position (GRCh38, 1-based): chr7:151,675,628, A>G on the plus strand (T>C on the coding strand, the complement: PRKAG2 is on the minus strand). VCF-style: chr7-151675628-A-G. GRCh37 (hg19) VCF-style: chr7-151372714-A-G.
Other names: c.104T>C, p.Leu35Pro (NM_001407029.1, NM_001304527.2, NM_001363698.2 and 1 more transcripts); c.158T>C, p.Leu53Pro (NM_001407032.1); c.467-80177T>C (NM_001407031.1); c.467-80174T>C (NM_001407030.1); c.361-43490T>C (NM_001407033.1); c.94+60272T>C (NM_001407037.1); c.13-43490T>C (NM_001407038.1); c.344T>C, p.Leu115Pro (NM_001040633.2, NM_001407024.1, NM_001407026.1 and 1 more transcripts); and 1 more; short protein forms L115P, L159P, L35P, L53P.
Identifiers: ClinVar variation 4756741 (VCV004756741.1).
Genomic context (GRCh38, chr7:151,675,628, plus strand): 5'-GATTCCAGGGGAAACGTGTGCTGCTTGGTCACTTGGGTGGGTGTTGACGGAGAGGAGGAG[A>G]GGCCGGAGGCTGCAGAAGAAACACCAAGGACGGTCAGAGGTCCGGCTTCCAGGAAGGGAC-3'
Protein context (NP_057287.2, residues 149-169): FFSRSRKTSG[Leu159Pro]SSSPSTPTQV